The following is an entry in ClinVar:

ClinVar aggregate classification (germline): Uncertain significance (1 of 4 stars; one submission).

gnomAD v4.1: 2 of 1,611,860 alleles (0.00012%); highest among the groups gnomAD compares: Non-Finnish European, 0.00017%; no homozygotes.

Submission:

Labcorp Genetics (formerly Invitae), Labcorp
Classification: Uncertain significance. Last evaluated: 2025-08-13. Review status: criteria provided, single submitter. Criteria: Invitae Variant Classification Sherloc (09022015). Collection method: clinical testing. Allele origin: germline.
Comment: This sequence change replaces aspartic acid, which is acidic and polar, with asparagine, which is neutral and polar, at codon 395 of the TNNI3K protein (p.Asp395Asn). This variant is not present in population databases (gnomAD no frequency). This variant has not been reported in the literature in individuals affected with TNNI3K-related conditions. Invitae Evidence Modeling of protein sequence and biophysical properties (such as structural, functional, and spatial information, amino acid conservation, physicochemical variation, residue mobility, and thermodynamic stability) indicates that this missense variant is not expected to disrupt TNNI3K protein function with a negative predictive value of 80%. In summary, the available evidence is currently insufficient to determine the role of this variant in disease. Therefore, it has been classified as a Variant of Uncertain Significance.

NM_015978.3(TNNI3K):c.1183G>A (p.Asp395Asn)

Genes: FPGT-TNNI3K (FPGT-TNNI3K readthrough; plus strand), TNNI3K (TNNI3 interacting kinase; plus strand). Cytogenetic location: 1p31.1.
Variant type: single nucleotide variant.
Coding change: c.1183G>A on transcript NM_015978.3 (MANE Select); coding-DNA position 1183, G replaced by A.
Protein change: p.Asp395Asn; replaces aspartic acid 395 with asparagine.
Molecular consequence: missense variant.
Genome position (GRCh38, 1-based): chr1:74,367,261, G>A. VCF-style: chr1-74367261-G-A. GRCh37 (hg19) VCF-style: chr1-74832945-G-A.
Other names: c.1486G>A, p.Asp496Asn (NM_001112808.3, NM_001199327.2); short protein forms D395N, D496N.
Identifiers: ClinVar variation 4743382 (VCV004743382.1).